The following is an entry in ClinVar:

ClinVar aggregate classification (germline): Uncertain significance (1 of 4 stars; one submission).

Conditions:
Neuromuscular disease caused by qualitative or quantitative defects of dysferlin. Also called: Dysferlinopathy; Qualitative or quantitative defects of dysferlin. Identifiers: Orphanet 207073, MedGen C2931687, MONDO:0016145.

Allele frequency attached by ClinVar (database versions not stated): TOPMed 0.00001; gnomAD exomes below 0.00001 and 0.00001; ExAC 0.00001; gnomAD 0.00001.
gnomAD v4.1: 4 of 1,613,924 alleles (0.00025%); highest among the groups gnomAD compares: East Asian, 0.0089%; no homozygotes.

Submission:

Labcorp Genetics (formerly Invitae), Labcorp
Classification: Uncertain significance for Neuromuscular disease caused by qualitative or quantitative defects of dysferlin. Last evaluated: 2022-06-03. Review status: criteria provided, single submitter. Criteria: Invitae Variant Classification Sherloc (09022015). Collection method: clinical testing. Allele origin: germline.
Comment: This sequence change replaces proline, which is neutral and non-polar, with leucine, which is neutral and non-polar, at codon 2021 of the DYSF protein (p.Pro2021Leu). This variant is present in population databases (rs764429879, gnomAD 0.01%). This variant has not been reported in the literature in individuals affected with DYSF-related conditions. ClinVar contains an entry for this variant (Variation ID: 1417287). Advanced modeling of protein sequence and biophysical properties (such as structural, functional, and spatial information, amino acid conservation, physicochemical variation, residue mobility, and thermodynamic stability) performed at Invitae indicates that this missense variant is expected to disrupt DYSF protein function. In summary, the available evidence is currently insufficient to determine the role of this variant in disease. Therefore, it has been classified as a Variant of Uncertain Significance.

NM_001130987.2(DYSF):c.6179C>T (p.Pro2060Leu)

Gene: DYSF (dysferlin; plus strand). Cytogenetic location: 2p13.2.
Variant type: single nucleotide variant.
Coding change: c.6179C>T on transcript NM_001130987.2 (MANE Select); coding-DNA position 6179, C replaced by T.
Protein change: p.Pro2060Leu; replaces proline 2060 with leucine.
Molecular consequence: missense variant.
Genome position (GRCh38, 1-based): chr2:71,682,535, C>T. VCF-style: chr2-71682535-C-T. GRCh37 (hg19) VCF-style: chr2-71909665-C-T.
Other names: c.6065C>T, p.Pro2022Leu (NM_001130455.2); c.6020C>T, p.Pro2007Leu (NM_001130976.2); c.6083C>T, p.Pro2028Leu (NM_001130977.2); c.6158C>T, p.Pro2053Leu (NM_001130982.2); c.6125C>T, p.Pro2042Leu (NM_001130978.2); c.6155C>T, p.Pro2052Leu (NM_001130979.2); c.6113C>T, p.Pro2038Leu (NM_001130980.2); c.6176C>T, p.Pro2059Leu (NM_001130981.2); and 5 more; short protein forms P2021L, P2028L, P2060L, P2007L, P2059L, P2039L, P2043L, P2008L.
Identifiers: ClinVar variation 1417287 (VCV001417287.5), dbSNP rs764429879, ClinGen allele CA1707640.